The following is an entry in ClinVar:

NM_000834.5(GRIN2B):c.3456C>A (p.Thr1152=)

Gene: GRIN2B (glutamate ionotropic receptor NMDA type subunit 2B; minus strand). Cytogenetic location: 12p13.1.
Variant type: single nucleotide variant.
Coding change: c.3456C>A on transcript NM_000834.5 (MANE Select); coding-DNA position 3456, C replaced by A.
Protein change: p.Thr1152=; no amino-acid change (threonine 1152 retained).
Molecular consequence: synonymous variant.
Genome position (GRCh38, 1-based): chr12:13,563,782, G>T on the plus strand (C>A on the coding strand, the complement: GRIN2B is on the minus strand). VCF-style: chr12-13563782-G-T. GRCh37 (hg19) VCF-style: chr12-13716716-G-T.
Identifiers: ClinVar variation 246007 (VCV000246007.6), dbSNP rs752200554, ClinGen allele CA10584421.

ClinVar aggregate classification (germline): Likely benign. Review status: criteria provided, multiple submitters, no conflicts (2 of 4 stars). 2 submissions from 2 submitters: Likely benign (2). Last evaluated 2022-10-08.

Conditions:
Intellectual developmental disorder, autosomal dominant 6, with or without seizures. Also called: Intellectual disability, autosomal dominant 6; GRIN2B-related developmental delay, intellectual disability and autism spectrum disorder. Identifiers: Orphanet 589547, MedGen C3151411, MONDO:0013509, OMIM 613970.
Developmental and epileptic encephalopathy, 27 (DEE27). Also called: Epileptic encephalopathy, early infantile, 27; GRIN2B-Related Neurodevelopmental Disorder. Identifiers: Orphanet 3451, MedGen C4015316, MONDO:0014505, OMIM 616139.

gnomAD v4.1: 2 of 1,614,086 alleles (0.00012%); highest among the groups gnomAD compares: Admixed American, 0.0033%; no homozygotes.

Submissions (2):

Labcorp Genetics (formerly Invitae), Labcorp
Classification: Likely benign for Developmental and epileptic encephalopathy, 27; Intellectual developmental disorder, autosomal dominant 6, with or without seizures. Last evaluated: 2022-10-08. Review status: criteria provided, single submitter. Criteria: Invitae Variant Classification Sherloc (09022015). Collection method: clinical testing. Allele origin: germline.

GeneDx
Classification: Likely benign. Last evaluated: 2015-10-21. Review status: criteria provided, single submitter. Criteria: GeneDx Variant Classification (06012015). Collection method: clinical testing. Allele origin: germline. Affected: yes.
Comment: This variant is considered likely benign or benign based on one or more of the following criteria: it is a conservative change, it occurs at a poorly conserved position in the protein, it is predicted to be benign by multiple in silico algorithms, and/or has population frequency not consistent with disease.